The following is an entry in ClinVar:

ClinVar aggregate classification (germline): Uncertain significance (1 of 4 stars; one submission).

Conditions:
Immunodeficiency 28 (IMD28). Also called: IFNGR2 DEFICIENCY. Identifiers: Orphanet 319547, Orphanet 319574, MedGen C4013947, MONDO:0013953, OMIM 614889.

Allele frequency attached by ClinVar (database versions not stated): gnomAD 0.00002; TOPMed 0.00002; ExAC 0.00003; gnomAD exomes 0.00004.
gnomAD v4.1: 24 of 1,613,426 alleles (0.0015%); highest among the groups gnomAD compares: Admixed American, 0.015%; no homozygotes.

Submission:

Labcorp Genetics (formerly Invitae), Labcorp
Classification: Uncertain significance for Immunodeficiency 28. Last evaluated: 2022-08-15. Review status: criteria provided, single submitter. Criteria: Invitae Variant Classification Sherloc (09022015). Collection method: clinical testing. Allele origin: germline.
Comment: In summary, the available evidence is currently insufficient to determine the role of this variant in disease. Therefore, it has been classified as a Variant of Uncertain Significance. Algorithms developed to predict the effect of missense changes on protein structure and function output the following: SIFT: "Tolerated"; PolyPhen-2: "Benign"; Align-GVGD: "Class C0". The threonine amino acid residue is found in multiple mammalian species, which suggests that this missense change does not adversely affect protein function. ClinVar contains an entry for this variant (Variation ID: 1439278). This variant has not been reported in the literature in individuals affected with IFNGR2-related conditions. This variant is present in population databases (rs552291982, gnomAD 0.01%). This sequence change replaces alanine, which is neutral and non-polar, with threonine, which is neutral and polar, at codon 166 of the IFNGR2 protein (p.Ala166Thr).

NM_005534.4(IFNGR2):c.496G>A (p.Ala166Thr)

Gene: IFNGR2 (interferon gamma receptor 2; plus strand). Cytogenetic location: 21q22.11.
Variant type: single nucleotide variant.
Coding change: c.496G>A on transcript NM_005534.4 (MANE Select); coding-DNA position 496, G replaced by A.
Protein change: p.Ala166Thr; replaces alanine 166 with threonine.
Molecular consequence: missense variant.
Genome position (GRCh38, 1-based): chr21:33,426,967, G>A. VCF-style: chr21-33426967-G-A. GRCh37 (hg19) VCF-style: chr21-34799274-G-A.
Other names: c.553G>A, p.Ala185Thr (NM_001329128.2); short protein forms A166T, A185T.
Identifiers: ClinVar variation 1439278 (VCV001439278.6), dbSNP rs552291982, ClinGen allele CA10006951.